The following is an entry in ClinVar:

ClinVar aggregate classification (germline): Uncertain significance. Review status: criteria provided, multiple submitters, no conflicts (2 of 4 stars). 8 submissions from 8 submitters: Uncertain significance (8). Last evaluated 2026-01-01.

Conditions:
Sitosterolemia 1. Identifiers: MedGen C2749759, MONDO:0020747, OMIM 210250.
ABCG8-related disorder. Also called: ABCG8-related condition.
Cardiovascular phenotype. Identifiers: MedGen CN230736.

Allele frequency attached by ClinVar (database versions not stated): gnomAD 0.00005 and 0.00006; TOPMed 0.00008; gnomAD exomes 0.00013; ESP Exome Variant Server 0.00015; ExAC 0.00017.
gnomAD v4.1: 201 of 1,612,326 alleles (0.012%); highest among the groups gnomAD compares: Middle Eastern, 0.086%; no homozygotes.

Submissions (8):

CeGaT Center for Human Genetics Tuebingen
Classification: Uncertain significance. Last evaluated: 2026-01-01. Review status: criteria provided, single submitter. Criteria: CeGaT Center For Human Genetics Tuebingen Variant Classification Criteria Version 2. Collection method: clinical testing. Allele origin: germline. Affected: yes. Observed: 2 variant alleles.
Comment: ABCG8: PM1, PM2:Supporting, PP4, BP4

Women's Health and Genetics/Laboratory Corporation of America, LabCorp
Classification: Uncertain significance. Last evaluated: 2025-09-02. Review status: criteria provided, single submitter. Criteria: LabCorp Variant Classification Summary - May 2015. Collection method: clinical testing. Allele origin: germline.
Comment: Variant summary: ABCG8 c.611G>A (p.Arg204His) results in a non-conservative amino acid change in the encoded protein sequence. Algorithms developed to predict the effect of missense changes on protein structure and function are either unavailable or do not agree on the potential impact of this missense change. The variant allele was found at a frequency of 0.00013 in 250932 control chromosomes. This frequency is not significantly higher than estimated for disease-causing variants in ABCG8, allowing no conclusion about variant significance. c.611G>A has been observed in individual(s) affected with familial hypercholesterolemia (Reeskamp_2020). These report(s) do not provide unequivocal conclusions about association of the variant with Early Onset Coronary Artery Disease. To our knowledge, no experimental evidence demonstrating an impact on protein function has been reported. The following publication has been ascertained in the context of this evaluation (PMID: 32088153). ClinVar contains an entry for this variant (Variation ID: 336069). Based on the evidence outlined above, the variant was classified as uncertain significance.

PreventionGenetics, part of Exact Sciences
Classification: Uncertain significance for ABCG8-related condition. Last evaluated: 2025-08-07. Review status: criteria provided, single submitter. Criteria: ACMG Guidelines, 2015. Collection method: clinical testing. Allele origin: germline.
Comment: The ABCG8 c.611G>A variant is predicted to result in the amino acid substitution p.Arg204His. To our knowledge, this variant has not been reported in the literature. This variant is reported in 0.022% of alleles in individuals of European (Non-Finnish) descent in gnomAD. At this time, the clinical significance of this variant is uncertain due to the absence of conclusive functional and genetic evidence.

Blueprint Genetics
Classification: Uncertain significance. Last evaluated: 2024-11-23. Review status: criteria provided, single submitter. Criteria: ACMG Guidelines, 2015. Collection method: clinical testing. Allele origin: germline.

Labcorp Genetics (formerly Invitae), Labcorp
Classification: Uncertain significance. Last evaluated: 2024-08-05. Review status: criteria provided, single submitter. Criteria: Invitae Variant Classification Sherloc (09022015). Collection method: clinical testing. Allele origin: germline.
Comment: This sequence change replaces arginine, which is basic and polar, with histidine, which is basic and polar, at codon 204 of the ABCG8 protein (p.Arg204His). This variant is present in population databases (rs144730815, gnomAD 0.02%). This missense change has been observed in individual(s) with familial hypercholesterolemia (PMID: 32088153). ClinVar contains an entry for this variant (Variation ID: 336069). Advanced modeling of protein sequence and biophysical properties (such as structural, functional, and spatial information, amino acid conservation, physicochemical variation, residue mobility, and thermodynamic stability) performed at Invitae indicates that this missense variant is not expected to disrupt ABCG8 protein function with a negative predictive value of 80%. In summary, the available evidence is currently insufficient to determine the role of this variant in disease. Therefore, it has been classified as a Variant of Uncertain Significance.

Ambry Genetics
Classification: Uncertain significance for Cardiovascular phenotype. Last evaluated: 2024-02-18. Review status: criteria provided, single submitter. Criteria: Ambry Variant Classification Scheme 2023. Collection method: clinical testing. Allele origin: germline.
Comment: The p.R204H variant (also known as c.611G>A), located in coding exon 5 of the ABCG8 gene, results from a G to A substitution at nucleotide position 611. The arginine at codon 204 is replaced by histidine, an amino acid with highly similar properties. This amino acid position is not well conserved in available vertebrate species, and histidine is the reference amino acid in other vertebrate species. In addition, this alteration is predicted to be tolerated by in silico analysis. Since supporting evidence is limited at this time, the clinical significance of this alteration remains unclear.

Revvity Omics, Revvity
Classification: Uncertain significance for Sitosterolemia 1. Last evaluated: 2023-03-29. Review status: criteria provided, single submitter. Criteria: ACMG Guidelines, 2015. Collection method: clinical testing. Allele origin: germline.

Illumina Laboratory Services, Illumina
Classification: Uncertain significance for Sitosterolemia 1. Last evaluated: 2018-01-13. Review status: criteria provided, single submitter. Criteria: ICSL Variant Classification Criteria 13 December 2019. Collection method: clinical testing. Allele origin: germline.

Literature cited by the submitters: PubMed 32088153 (cited by Women's Health and Genetics/Laboratory Corporation of America, LabCorp and Labcorp Genetics (formerly Invitae), Labcorp).

NM_022437.3(ABCG8):c.611G>A (p.Arg204His)

Gene: ABCG8 (ATP binding cassette subfamily G member 8; plus strand). Cytogenetic location: 2p21.
Variant type: single nucleotide variant.
Coding change: c.611G>A on transcript NM_022437.3 (MANE Select); coding-DNA position 611, G replaced by A.
Protein change: p.Arg204His; replaces arginine 204 with histidine.
Molecular consequence: missense variant.
Genome position (GRCh38, 1-based): chr2:43,852,403, G>A. VCF-style: chr2-43852403-G-A. GRCh37 (hg19) VCF-style: chr2-44079542-G-A.
Other names: c.611G>A, p.Arg204His (NM_001357321.2); short protein forms R204H.
Identifiers: ClinVar variation 336069 (VCV000336069.21), dbSNP rs144730815, ClinGen allele CA1637088.